The following is an entry in ClinVar:

ClinVar aggregate classification (germline): Uncertain significance. Review status: criteria provided, multiple submitters, no conflicts (2 of 4 stars). 2 submissions from 2 submitters: Uncertain significance (2). Last evaluated 2023-06-26.

Conditions:
Cranioectodermal dysplasia 2 (CED2). Identifiers: Orphanet 1515, MedGen C3150874, MONDO:0013323, OMIM 613610.
Short-rib thoracic dysplasia 7 with or without polydactyly (SRTD7). Also called: Short rib polydactyly syndrome 5; SHORT-RIB THORACIC DYSPLASIA 7 WITH POLYDACTYLY. Identifiers: Orphanet 498497, Orphanet 93271, MedGen C3279792, MONDO:0013569, OMIM 614091.

Allele frequency attached by ClinVar (database versions not stated): ExAC 0.00004; gnomAD 0.00004; TOPMed 0.00005; gnomAD exomes 0.00006; ESP Exome Variant Server 0.00015.
gnomAD v4.1: 91 of 1,614,064 alleles (0.0056%); highest among the groups gnomAD compares: Non-Finnish European, 0.007%; no homozygotes.

Submissions (2):

GeneDx
Classification: Uncertain significance. Last evaluated: 2023-06-26. Review status: criteria provided, single submitter. Criteria: GeneDx Variant Classification Process June 2021. Collection method: clinical testing. Allele origin: germline. Affected: yes.
Comment: In silico analysis supports that this missense variant does not alter protein structure/function; Has not been previously published as pathogenic or benign to our knowledge

Labcorp Genetics (formerly Invitae), Labcorp
Classification: Uncertain significance for Cranioectodermal dysplasia 2; Short-rib thoracic dysplasia 7 with or without polydactyly. Last evaluated: 2022-11-08. Review status: criteria provided, single submitter. Criteria: Invitae Variant Classification Sherloc (09022015). Collection method: clinical testing. Allele origin: germline.
Comment: In summary, the available evidence is currently insufficient to determine the role of this variant in disease. Therefore, it has been classified as a Variant of Uncertain Significance. Advanced modeling of protein sequence and biophysical properties (such as structural, functional, and spatial information, amino acid conservation, physicochemical variation, residue mobility, and thermodynamic stability) performed at Invitae indicates that this missense variant is not expected to disrupt WDR35 protein function. This variant has not been reported in the literature in individuals affected with WDR35-related conditions. This variant is present in population databases (rs149236275, gnomAD 0.01%). This sequence change replaces lysine, which is basic and polar, with glutamic acid, which is acidic and polar, at codon 1119 of the WDR35 protein (p.Lys1119Glu).

NM_020779.4(WDR35):c.3322A>G (p.Lys1108Glu)

Gene: WDR35 (WD repeat domain 35; minus strand). Cytogenetic location: 2p24.1.
Variant type: single nucleotide variant.
Coding change: c.3322A>G on transcript NM_020779.4 (MANE Select); coding-DNA position 3322, A replaced by G.
Protein change: p.Lys1108Glu; replaces lysine 1108 with glutamic acid.
Molecular consequence: missense variant.
Genome position (GRCh38, 1-based): chr2:19,914,077, T>C on the plus strand (A>G on the coding strand, the complement: WDR35 is on the minus strand). VCF-style: chr2-19914077-T-C. GRCh37 (hg19) VCF-style: chr2-20113838-T-C.
Other names: c.3355A>G, p.Lys1119Glu (NM_001006657.2); c.3355A>G (NM_001006657.1); short protein forms K1108E, K1119E.
Identifiers: ClinVar variation 2028774 (VCV002028774.3), dbSNP rs149236275, ClinGen allele CA1542698.